The following is an entry in ClinVar:

NM_018192.4(P3H2):c.1436T>C (p.Leu479Pro)

Gene: P3H2 (prolyl 3-hydroxylase 2; minus strand). Cytogenetic location: 3q28.
Variant type: single nucleotide variant.
Coding change: c.1436T>C on transcript NM_018192.4 (MANE Select); coding-DNA position 1436, T replaced by C.
Protein change: p.Leu479Pro; replaces leucine 479 with proline.
Molecular consequence: missense variant.
Genome position (GRCh38, 1-based): chr3:189,974,574, A>G on the plus strand (T>C on the coding strand, the complement: P3H2 is on the minus strand). VCF-style: chr3-189974574-A-G. GRCh37 (hg19) VCF-style: chr3-189692363-A-G.
Other names: c.893T>C, p.Leu298Pro (NM_001134418.2); short protein forms L298P, L479P.
Identifiers: ClinVar variation 4743214 (VCV004743214.1).

ClinVar aggregate classification (germline): Uncertain significance (1 of 4 stars; one submission).

Submission:

Labcorp Genetics (formerly Invitae), Labcorp
Classification: Uncertain significance. Last evaluated: 2025-10-08. Review status: criteria provided, single submitter. Criteria: Invitae Variant Classification Sherloc (09022015). Collection method: clinical testing. Allele origin: germline.
Comment: This sequence change replaces leucine, which is neutral and non-polar, with proline, which is neutral and non-polar, at codon 479 of the P3H2 protein (p.Leu479Pro). This variant is not present in population databases (gnomAD no frequency). This variant has not been reported in the literature in individuals affected with P3H2-related conditions. Invitae Evidence Modeling of protein sequence and biophysical properties (such as structural, functional, and spatial information, amino acid conservation, physicochemical variation, residue mobility, and thermodynamic stability) indicates that this missense variant is expected to disrupt P3H2 protein function with a positive predictive value of 80%. In summary, the available evidence is currently insufficient to determine the role of this variant in disease. Therefore, it has been classified as a Variant of Uncertain Significance.